The following is an entry in ClinVar:

NM_138576.4(BCL11B):c.614C>T (p.Pro205Leu)

Gene: BCL11B (BCL11 transcription factor B; minus strand). Cytogenetic location: 14q32.2.
Variant type: single nucleotide variant.
Coding change: c.614C>T on transcript NM_138576.4 (MANE Select); coding-DNA position 614, C replaced by T.
Protein change: p.Pro205Leu; replaces proline 205 with leucine.
Molecular consequence: missense variant. On other transcripts: intron variant (2).
Genome position (GRCh38, 1-based): chr14:99,231,371, G>A on the plus strand (C>T on the coding strand, the complement: BCL11B is on the minus strand). VCF-style: chr14-99231371-G-A. GRCh37 (hg19) VCF-style: chr14-99697708-G-A.
Other names: c.611C>T, p.Pro204Leu (NM_001282237.2); c.424+26100C>T (NM_001282238.2); c.427+26100C>T (NM_022898.3); short protein forms P204L, P205L.
Identifiers: ClinVar variation 4697694 (VCV004697694.1).

ClinVar aggregate classification (germline): Uncertain significance (1 of 4 stars; one submission).

Submission:

Labcorp Genetics (formerly Invitae), Labcorp
Classification: Uncertain significance. Last evaluated: 2025-05-04. Review status: criteria provided, single submitter. Criteria: Invitae Variant Classification Sherloc (09022015). Collection method: clinical testing. Allele origin: germline.
Comment: This sequence change replaces proline, which is neutral and non-polar, with leucine, which is neutral and non-polar, at codon 205 of the BCL11B protein (p.Pro205Leu). This variant is present in population databases (rs768649838, gnomAD 0.01%). This variant has not been reported in the literature in individuals affected with BCL11B-related conditions. Invitae Evidence Modeling of protein sequence and biophysical properties (such as structural, functional, and spatial information, amino acid conservation, physicochemical variation, residue mobility, and thermodynamic stability) indicates that this missense variant is not expected to disrupt BCL11B protein function with a negative predictive value of 95%. In summary, the available evidence is currently insufficient to determine the role of this variant in disease. Therefore, it has been classified as a Variant of Uncertain Significance.